The following is an entry in ClinVar:

NM_000130.5(F5):c.4102C>G (p.Leu1368Val)

Gene: F5 (coagulation factor V; minus strand). Cytogenetic location: 1q24.2.
Variant type: single nucleotide variant.
Coding change: c.4102C>G on transcript NM_000130.5 (MANE Select); coding-DNA position 4102, C replaced by G.
Protein change: p.Leu1368Val; replaces leucine 1368 with valine.
Molecular consequence: missense variant.
Genome position (GRCh38, 1-based): chr1:169,540,988, G>C on the plus strand (C>G on the coding strand, the complement: F5 is on the minus strand). VCF-style: chr1-169540988-G-C. GRCh37 (hg19) VCF-style: chr1-169510226-G-C.
Other names: short protein forms L1368V.
Identifiers: ClinVar variation 4753728 (VCV004753728.1).

ClinVar aggregate classification (germline): Uncertain significance (1 of 4 stars; one submission).

Conditions:
Congenital factor V deficiency. Also called: LABILE FACTOR DEFICIENCY; OWREN PARAHEMOPHILIA; PARAHEMOPHILIA; Hereditary factor V deficiency disease. Identifiers: Orphanet 326, MedGen C0015499, MONDO:0009210, OMIM 227400.

Submission:

Labcorp Genetics (formerly Invitae), Labcorp
Classification: Uncertain significance for Congenital factor V deficiency. Last evaluated: 2025-11-11. Review status: criteria provided, single submitter. Criteria: Invitae Variant Classification Sherloc (09022015). Collection method: clinical testing. Allele origin: germline.
Comment: This sequence change replaces leucine, which is neutral and non-polar, with valine, which is neutral and non-polar, at codon 1368 of the F5 protein (p.Leu1368Val). This variant is not present in population databases (gnomAD no frequency). This variant has not been reported in the literature in individuals affected with F5-related conditions. Invitae Evidence Modeling of protein sequence and biophysical properties (such as structural, functional, and spatial information, amino acid conservation, physicochemical variation, residue mobility, and thermodynamic stability) indicates that this missense variant is not expected to disrupt F5 protein function with a negative predictive value of 80%. In summary, the available evidence is currently insufficient to determine the role of this variant in disease. Therefore, it has been classified as a Variant of Uncertain Significance.